The following is an entry in ClinVar:

ClinVar aggregate classification (germline): Uncertain significance. Review status: criteria provided, multiple submitters, no conflicts (2 of 4 stars). 2 submissions from 2 submitters: Uncertain significance (2). Last evaluated 2025-12-12.

Conditions:
Hereditary cancer-predisposing syndrome. Also called: Neoplastic Syndromes, Hereditary; Hereditary Cancer Syndrome; Tumor predisposition; Hereditary neoplastic syndrome. Identifiers: Orphanet 140162, MedGen C0027672, MeSH D009386, MONDO:0015356.
Tuberous sclerosis 2 (TSC2). Identifiers: Orphanet 805, MedGen C1860707, MONDO:0013199, OMIM 613254.

Submissions (2):

Ambry Genetics
Classification: Uncertain significance for Hereditary cancer-predisposing syndrome. Last evaluated: 2025-12-12. Review status: criteria provided, single submitter. Criteria: Ambry Variant Classification Scheme 2023. Collection method: clinical testing. Allele origin: germline.
Comment: The c.648G>A variant (also known as p.E216E), located in coding exon 6 of the TSC2 gene, results from a G to A substitution at nucleotide position 648. This nucleotide substitution does not change the amino acid at codon 216. This nucleotide position is highly conserved in available vertebrate species. In silico splice site analysis predicts that this alteration may weaken the native splice donor site; however, direct evidence is insufficient at this time (Ambry internal data). Based on the available evidence, the clinical significance of this variant remains unclear.

Labcorp Genetics (formerly Invitae), Labcorp
Classification: Uncertain significance for Tuberous sclerosis 2. Last evaluated: 2025-10-01. Review status: criteria provided, single submitter. Criteria: Invitae Variant Classification Sherloc (09022015). Collection method: clinical testing. Allele origin: germline.
Comment: This sequence change affects codon 216 of the TSC2 mRNA. It is a 'silent' change, meaning that it does not change the encoded amino acid sequence of the TSC2 protein. This variant also falls at the last nucleotide of exon 7, which is part of the consensus splice site for this exon. This variant is not present in population databases (gnomAD no frequency). This variant has not been reported in the literature in individuals affected with TSC2-related conditions. ClinVar contains an entry for this variant (Variation ID: 2018109). Variants that disrupt the consensus splice site are a relatively common cause of aberrant splicing (PMID: 17576681, 9536098). Algorithms developed to predict the effect of sequence changes on RNA splicing suggest that this variant may disrupt the consensus splice site. In summary, the available evidence is currently insufficient to determine the role of this variant in disease. Therefore, it has been classified as a Variant of Uncertain Significance.

Literature cited by the submitters: PubMed 17576681 (cited by Labcorp Genetics (formerly Invitae), Labcorp); PubMed 9536098 (cited by Labcorp Genetics (formerly Invitae), Labcorp).

NM_000548.5(TSC2):c.648G>A (p.Glu216=)

Gene: TSC2 (TSC complex subunit 2; plus strand). Cytogenetic location: 16p13.3.
Variant type: single nucleotide variant.
Coding change: c.648G>A on transcript NM_000548.5 (MANE Select); coding-DNA position 648, G replaced by A.
Protein change: p.Glu216=; no amino-acid change (glutamic acid 216 retained).
Molecular consequence: synonymous variant. On other transcripts: 5 prime UTR variant (10), non-coding transcript variant (5).
Genome position (GRCh38, 1-based): chr16:2,056,244, G>A. VCF-style: chr16-2056244-G-A. GRCh37 (hg19) VCF-style: chr16-2106245-G-A.
Other names: c.648G>A, p.Glu216= (NM_001077183.3, NM_001114382.3, NM_001363528.2 and 8 more transcripts); c.537G>A, p.Glu179= (NM_001318827.2, NM_001406670.1, NM_001406678.1); c.501G>A, p.Glu167= (NM_001318829.2, NM_001406675.1, NM_001406676.1 and 1 more transcripts); c.48G>A, p.Glu16= (NM_001318831.2, NM_001406680.1, NM_001406682.1 and 6 more transcripts); c.681G>A, p.Glu227= (NM_001318832.2); c.738G>A, p.Glu246= (NM_001406667.1, NM_001406668.1); c.591G>A, p.Glu197= (NM_001406677.1); c.186G>A, p.Glu62= (NM_001406681.1); and 4 more.
Identifiers: ClinVar variation 2018109 (VCV002018109.5), dbSNP rs2548450950, ClinGen allele CA492956406.